The following is an entry in ClinVar:

ClinVar aggregate classification (germline): Uncertain significance (1 of 4 stars; one submission).

Conditions:
Hereditary spastic paraplegia 10 (SPG10). Also called: SPASTIC PARAPLEGIA 10, AUTOSOMAL DOMINANT; SPASTIC PARAPLEGIA 10 WITH OR WITHOUT PERIPHERAL NEUROPATHY; SPASTIC PARAPLEGIA 10 WITH PERIPHERAL NEUROPATHY. Identifiers: Orphanet 100991, MedGen C1858712, MONDO:0011408, OMIM 604187.

Submission:

Breda Genetics srl
Classification: Uncertain significance for Hereditary spastic paraplegia 10. Last evaluated: 2022-08-22. Review status: criteria provided, single submitter. Criteria: ACMG Guidelines, 2015. Collection method: clinical testing. Allele origin: germline. Inheritance: Autosomal dominant inheritance. Affected: yes. Observed: 1 variant allele, 1 heterozygote.
Comment: The variant c.1890G>C (p.Gln630His) in the KIF5A gene has not been reported in dbSNP, gnomAD, 1000 Genomes Project or ClinVar. The nucleotide position is weakly conserved across 35 mammalian species (GERP RS: 0.60). In silico analysis indicates that the variant might be damaging.

NM_004984.4(KIF5A):c.1890G>C (p.Gln630His)

Gene: KIF5A (kinesin family member 5A; plus strand). Cytogenetic location: 12q13.3.
Variant type: single nucleotide variant.
Coding change: c.1890G>C on transcript NM_004984.4 (MANE Select); coding-DNA position 1890, G replaced by C.
Protein change: p.Gln630His; replaces glutamine 630 with histidine.
Molecular consequence: missense variant.
Genome position (GRCh38, 1-based): chr12:57,575,257, G>C. VCF-style: chr12-57575257-G-C. GRCh37 (hg19) VCF-style: chr12-57969040-G-C.
Other names: c.1623G>C, p.Gln541His (NM_001354705.2); short protein forms Q541H, Q630H.
Identifiers: ClinVar variation 1707641 (VCV001707641.1), dbSNP rs1401764909, ClinGen allele CA385509241.